The following is an entry in ClinVar:

ClinVar aggregate classification (germline): Conflicting classifications of pathogenicity. Review status: criteria provided, conflicting classifications (1 of 4 stars). 2 submissions from 2 submitters: Uncertain significance (1); Likely benign (1). Last evaluated 2024-02-11.

Conditions:
Hereditary cancer-predisposing syndrome. Also called: Hereditary Cancer Syndrome; Tumor predisposition; Neoplastic Syndromes, Hereditary; Hereditary neoplastic syndrome. Identifiers: Orphanet 140162, MedGen C0027672, MeSH D009386, MONDO:0015356.
Tuberous sclerosis 2 (TSC2). Identifiers: Orphanet 805, MedGen C1860707, MONDO:0013199, OMIM 613254.

Submissions (2):

Labcorp Genetics (formerly Invitae), Labcorp
Classification: Uncertain significance for Tuberous sclerosis 2. Last evaluated: 2024-02-11. Review status: criteria provided, single submitter. Criteria: Invitae Variant Classification Sherloc (09022015). Collection method: clinical testing. Allele origin: germline.
Comment: This sequence change replaces valine, which is neutral and non-polar, with leucine, which is neutral and non-polar, at codon 1310 of the TSC2 protein (p.Val1310Leu). This variant is not present in population databases (gnomAD no frequency). This variant has not been reported in the literature in individuals affected with TSC2-related conditions. Advanced modeling of protein sequence and biophysical properties (such as structural, functional, and spatial information, amino acid conservation, physicochemical variation, residue mobility, and thermodynamic stability) performed at Invitae indicates that this missense variant is not expected to disrupt TSC2 protein function with a negative predictive value of 95%. In summary, the available evidence is currently insufficient to determine the role of this variant in disease. Therefore, it has been classified as a Variant of Uncertain Significance.

Ambry Genetics
Classification: Likely benign for Hereditary cancer-predisposing syndrome. Last evaluated: 2023-10-01. Review status: criteria provided, single submitter. Criteria: Ambry Variant Classification Scheme 2023. Collection method: clinical testing. Allele origin: germline.

NM_000548.5(TSC2):c.3928G>T (p.Val1310Leu)

Gene: TSC2 (TSC complex subunit 2; plus strand). Cytogenetic location: 16p13.3.
Variant type: single nucleotide variant.
Coding change: c.3928G>T on transcript NM_000548.5 (MANE Select); coding-DNA position 3928, G replaced by T.
Protein change: p.Val1310Leu; replaces valine 1310 with leucine.
Molecular consequence: missense variant. On other transcripts: non-coding transcript variant (5).
Genome position (GRCh38, 1-based): chr16:2,083,739, G>T. VCF-style: chr16-2083739-G-T. GRCh37 (hg19) VCF-style: chr16-2133740-G-T.
Other names: c.3850G>T, p.Val1284Leu (NM_001406665.1); c.3820G>T, p.Val1274Leu (NM_001406667.1); c.3817G>T, p.Val1273Leu (NM_001406668.1); c.3748G>T, p.Val1250Leu (NM_001406670.1); c.3799G>T, p.Val1267Leu (NM_001370405.1, NM_021055.3); c.3925G>T, p.Val1309Leu (NM_001406663.1); c.3856G>T, p.Val1286Leu (NM_001406664.1); c.3727G>T, p.Val1243Leu (NM_001077183.3); and 26 more; short protein forms V1043L, V1044L, V1066L, V1086L, V1087L, V1090L, V1110L, V1194L.
Identifiers: ClinVar variation 3232157 (VCV003232157.3), dbSNP rs1046522975, ClinGen allele CA394297228.
Genomic context (GRCh38, chr16:2,083,739, plus strand): 5'-GTCTGTGTCCTCCCAGACTCCGCCGTGGTCATGGAGGAGGGAAGTCCGGGCGAGGTTCCT[G>T]TGCTGGTGGAGCCCCCAGGGTTGGAGGACGTTGAGGCAGCGCTAGGCATGGACAGGCGCA-3'
Protein context (NP_000539.2, residues 1300-1320): MEEGSPGEVP[Val1310Leu]LVEPPGLEDV